The following is an entry in ClinVar:

NM_198253.3(TERT):c.2766G>T (p.Met922Ile)

Gene: TERT (telomerase reverse transcriptase; minus strand). Cytogenetic location: 5p15.33.
Variant type: single nucleotide variant.
Coding change: c.2766G>T on transcript NM_198253.3 (MANE Select); coding-DNA position 2766, G replaced by T.
Protein change: p.Met922Ile; replaces methionine 922 with isoleucine.
Molecular consequence: missense variant. On other transcripts: intron variant (1).
Genome position (GRCh38, 1-based): chr5:1,264,481, C>A on the plus strand (G>T on the coding strand, the complement: TERT is on the minus strand). VCF-style: chr5-1264481-C-A. GRCh37 (hg19) VCF-style: chr5-1264596-C-A.
Other names: c.2766G>T, p.Met922Ile (NM_003219.1); c.2654+1983G>T (NM_001193376.3); short protein forms M922I.
Identifiers: ClinVar variation 3238580 (VCV003238580.1), dbSNP rs2478153215.

ClinVar aggregate classification (germline): Uncertain significance (1 of 4 stars; one submission).

Conditions:
Dyskeratosis congenita. Identifiers: Orphanet 1775, MedGen C0265965, MONDO:0015780.

Submission:

Ambry Genetics
Classification: Uncertain significance for Dyskeratosis congenita. Last evaluated: 2023-11-22. Review status: criteria provided, single submitter. Criteria: Ambry Variant Classification Scheme 2023. Collection method: clinical testing. Allele origin: germline.
Comment: The p.M922I variant (also known as c.2766G>T), located in coding exon 11 of the TERT gene, results from a G to T substitution at nucleotide position 2766. The methionine at codon 922 is replaced by isoleucine, an amino acid with highly similar properties. This amino acid position is conserved. In addition, this alteration is predicted to be tolerated by in silico analysis. Since supporting evidence is limited at this time, the clinical significance of this alteration remains unclear.